The following is an entry in ClinVar:

NM_006206.6(PDGFRA):c.1466C>G (p.Thr489Ser)

Gene: PDGFRA (platelet derived growth factor receptor alpha; plus strand). Cytogenetic location: 4q12.
Variant type: single nucleotide variant.
Coding change: c.1466C>G on transcript NM_006206.6 (MANE Select); coding-DNA position 1466, C replaced by G.
Protein change: p.Thr489Ser; replaces threonine 489 with serine.
Molecular consequence: missense variant.
Genome position (GRCh38, 1-based): chr4:54,273,638, C>G. VCF-style: chr4-54273638-C-G. GRCh37 (hg19) VCF-style: chr4-55139805-C-G.
Other names: c.1466C>G, p.Thr489Ser (NM_001347827.2, NM_001347829.2); c.1541C>G, p.Thr514Ser (NM_001347828.2); c.1505C>G, p.Thr502Ser (NM_001347830.2); short protein forms T489S, T502S, T514S.
Identifiers: ClinVar variation 528532 (VCV000528532.11), dbSNP rs761961392, ClinGen allele CA2922577.
Genomic context (GRCh38, chr4:54,273,638, plus strand): 5'-TCTCAAACATCATCACGGAGATCCACTCCCGAGACAGGAGTACCGTGGAGGGCCGTGTGA[C>G]TTTCGCCAAAGTGGAGGAGACCATCGCCGTGCGATGCCTGGCTAAGAATCTCCTTGGAGC-3'
Protein context (NP_006197.1, residues 479-499): RDRSTVEGRV[Thr489Ser]FAKVEETIAV

ClinVar aggregate classification (germline): Conflicting classifications of pathogenicity. Review status: criteria provided, conflicting classifications (1 of 4 stars). 2 submissions from 2 submitters: Uncertain significance (1); Likely benign (1). Last evaluated 2025-11-19.

Conditions:
Gastrointestinal stromal tumor. Also called: Gastrointestinal stroma tumor; Gastrointestinal stromal tumor, somatic. Identifiers: Orphanet 44890, MedGen C0238198, MeSH D046152, MONDO:0011719, OMIM 606764, HP:0100723.
Hereditary cancer-predisposing syndrome. Also called: Tumor predisposition; Hereditary neoplastic syndrome; Hereditary Cancer Syndrome; Neoplastic Syndromes, Hereditary. Identifiers: Orphanet 140162, MedGen C0027672, MeSH D009386, MONDO:0015356.

Allele frequency attached by ClinVar (database versions not stated): gnomAD exomes below 0.00001 and 0.00001; ExAC 0.00001.
gnomAD v4.1: 3 of 1,613,994 alleles (0.00019%); highest among the groups gnomAD compares: South Asian, 0.0033%; no homozygotes.

Submissions (2):

Labcorp Genetics (formerly Invitae), Labcorp
Classification: Uncertain significance for Gastrointestinal stromal tumor. Last evaluated: 2025-11-19. Review status: criteria provided, single submitter. Criteria: Invitae Variant Classification Sherloc (09022015). Collection method: clinical testing. Allele origin: germline.
Comment: This sequence change replaces threonine, which is neutral and polar, with serine, which is neutral and polar, at codon 489 of the PDGFRA protein (p.Thr489Ser). This variant is present in population databases (rs761961392, gnomAD 0.006%). This variant has not been reported in the literature in individuals affected with PDGFRA-related conditions. ClinVar contains an entry for this variant (Variation ID: 528532). An algorithm developed to predict the effect of missense changes on protein structure and function outputs the following: PolyPhen-2: "Benign". The serine amino acid residue is found in multiple mammalian species, which suggests that this missense change does not adversely affect protein function. In summary, the available evidence is currently insufficient to determine the role of this variant in disease. Therefore, it has been classified as a Variant of Uncertain Significance.

Ambry Genetics
Classification: Likely benign for Hereditary cancer-predisposing syndrome. Last evaluated: 2022-07-10. Review status: criteria provided, single submitter. Criteria: Ambry Variant Classification Scheme 2023. Collection method: clinical testing. Allele origin: germline.